The following is an entry in ClinVar:

NM_000045.4(ARG1):c.50del (p.Lys17fs)

Gene: ARG1 (arginase 1; plus strand). Cytogenetic location: 6q23.2.
Variant type: Deletion.
Coding change: c.50del on transcript NM_000045.4 (MANE Select); coding-DNA position 50, one base deleted (A; older notation c.50delA).
Protein change: p.Lys17fs; shifts the reading frame from lysine 17.
Molecular consequence: frameshift variant. On other transcripts: non-coding transcript variant (1).
Genome position (GRCh38, 1-based): chr6:131,573,332, A deleted; the last of 3 consecutive A bases (chr6:131,573,330-131,573,332); deleting any one gives the same sequence. VCF-style (leftmost placement, unchanged base first): chr6-131573329-CA-C. GRCh37 (hg19) VCF-style: chr6-131894469-CA-C.
Other names: c.50del, p.Lys17fs (NM_001244438.2, NM_001369020.1); short protein forms K17fs.
Identifiers: ClinVar variation 1074774 (VCV001074774.7), dbSNP rs2114507395, ClinGen allele CA2499218089.

ClinVar aggregate classification (germline): Pathogenic (1 of 4 stars; one submission).

Conditions:
Arginase deficiency. Also called: Arginase 1 Deficiency; ARG1 DEFICIENCY; ARGININEMIA. Identifiers: Orphanet 90, MedGen C0268548, MONDO:0008814, OMIM 207800.

Submission:

Labcorp Genetics (formerly Invitae), Labcorp
Classification: Pathogenic for Arginase deficiency. Last evaluated: 2022-03-21. Review status: criteria provided, single submitter. Criteria: Invitae Variant Classification Sherloc (09022015). Collection method: clinical testing. Allele origin: germline.
Comment: For these reasons, this variant has been classified as Pathogenic. ClinVar contains an entry for this variant (Variation ID: 1074774). This variant has not been reported in the literature in individuals affected with ARG1-related conditions. This variant is not present in population databases (gnomAD no frequency). This sequence change creates a premature translational stop signal (p.Lys17Argfs*15) in the ARG1 gene. It is expected to result in an absent or disrupted protein product. Loss-of-function variants in ARG1 are known to be pathogenic (PMID: 7649538, 12052859).

Literature cited by the submitters: PubMed 7649538; PubMed 12052859.